The following is an entry in ClinVar:

NM_020821.3(VPS13C):c.2264dup (p.Asn755fs)

Gene: VPS13C (vacuolar protein sorting 13 homolog C; minus strand). Cytogenetic location: 15q22.2.
Variant type: Duplication.
Coding change: c.2264dup on transcript NM_020821.3 (MANE Select); coding-DNA position 2264, one base duplicated (A; older notation c.2264dupA).
Protein change: p.Asn755fs; shifts the reading frame from asparagine 755.
Molecular consequence: frameshift variant.
Genome position (GRCh38, 1-based): chr15:61,978,652, T duplicated on the plus strand (A on the coding strand, the reverse complement: VPS13C is on the minus strand); the first of 6 consecutive T bases (chr15:61,978,652-61,978,657); duplicating any one gives the same sequence. VCF-style (leftmost placement, unchanged base first): chr15-61978651-A-AT. GRCh37 (hg19) VCF-style: chr15-62270850-A-AT.
Other names: c.2264dup, p.Asn755fs (NM_001018088.3); c.2135dup, p.Asn712fs (NM_017684.5, NM_018080.4); short protein forms N712fs, N755fs.
Identifiers: ClinVar variation 4880614 (VCV004880614.3).

ClinVar aggregate classification (germline): Likely pathogenic. Review status: criteria provided, multiple submitters, no conflicts (2 of 4 stars). 2 submissions from 2 submitters: Likely pathogenic (2). Last evaluated 2026-08-06.

Conditions:
Autosomal recessive early-onset Parkinson disease 23. Identifiers: Orphanet 2828, MedGen C4225186, MONDO:0014796, OMIM 616840.

Submissions (2):

OLLIN Analises Genomicas, OLLIN
Classification: Likely pathogenic for Autosomal recessive early-onset Parkinson disease 23. Last evaluated: 2026-08-06. Review status: criteria provided, single submitter. Criteria: ACMG Guidelines 2015 PMID 25741868. Collection method: clinical testing. Allele origin: germline.
Comment: This frameshift variant, located in exon 23 (of 85), has been observed in gnomAD with an allele frequency of 0.000062%, but has not been reported in ClinVar or identified in the literature. This variant causes a frameshift and introduces a premature stop codon, which is predicted to result in either a truncated protein or degradation of the mRNA via nonsense-mediated decay (NMD). According to the currently available evidence, this variant has been classified as likely pathogenic (PVS1, PM2_P).

Dasa
Classification: Likely pathogenic. Last evaluated: 2025-02-21. Review status: criteria provided, single submitter. Criteria: DASA Assertion Criteria. Collection method: clinical testing. Allele origin: germline.
Comment: NM_020821.3(VPS13C):c.2264dup (p.Asn755Lysfs*35) is a frameshift variant in VPS13C predicted to alter the reading frame and introduce a premature termination codon and is predicted to result in an absent or altered protein product. Loss of function is an established disease mechanism for VPS13C-associated disorders. Also, this variant is rare in population databases. Based on the currently available evidence, this variant is classified as likely pathogenic.